The following is an entry in ClinVar:

NM_152703.5(SAMD9L):c.473C>G (p.Pro158Arg)

Gene: SAMD9L (sterile alpha motif domain containing 9 like; minus strand). Cytogenetic location: 7q21.2.
Variant type: single nucleotide variant.
Coding change: c.473C>G on transcript NM_152703.5 (MANE Select); coding-DNA position 473, C replaced by G.
Protein change: p.Pro158Arg; replaces proline 158 with arginine.
Molecular consequence: missense variant.
Genome position (GRCh38, 1-based): chr7:93,135,499, G>C on the plus strand (C>G on the coding strand, the complement: SAMD9L is on the minus strand). VCF-style: chr7-93135499-G-C. GRCh37 (hg19) VCF-style: chr7-92764812-G-C.
Other names: c.473C>G (NM_152703.2); c.473C>G, p.Pro158Arg (NM_001303496.3, NM_001303497.3, NM_001303498.3 and 5 more transcripts); short protein forms P158R.
Identifiers: ClinVar variation 2088807 (VCV002088807.5), dbSNP rs2535437846, ClinGen allele CA368203015.

ClinVar aggregate classification (germline): Uncertain significance. Review status: criteria provided, multiple submitters, no conflicts (2 of 4 stars). 2 submissions from 2 submitters: Uncertain significance (2). Last evaluated 2024-11-22.

Conditions:
Inborn genetic diseases. Identifiers: MedGen C0950123, MeSH D030342.

Submissions (2):

Ambry Genetics
Classification: Uncertain significance for Inborn genetic diseases. Last evaluated: 2024-11-22. Review status: criteria provided, single submitter. Criteria: Ambry Variant Classification Scheme 2023. Collection method: clinical testing. Allele origin: germline.
Comment: The p.P158R variant (also known as c.473C>G), located in coding exon 1 of the SAMD9L gene, results from a C to G substitution at nucleotide position 473. The proline at codon 158 is replaced by arginine, an amino acid with dissimilar properties. This amino acid position is conserved. In addition, this alteration is predicted to be tolerated by in silico analysis. Based on the available evidence, the clinical significance of this variant remains unclear.

Labcorp Genetics (formerly Invitae), Labcorp
Classification: Uncertain significance. Last evaluated: 2022-01-21. Review status: criteria provided, single submitter. Criteria: Invitae Variant Classification Sherloc (09022015). Collection method: clinical testing. Allele origin: germline.
Comment: In summary, the available evidence is currently insufficient to determine the role of this variant in disease. Therefore, it has been classified as a Variant of Uncertain Significance. Algorithms developed to predict the effect of missense changes on protein structure and function are either unavailable or do not agree on the potential impact of this missense change (SIFT: "Not Available"; PolyPhen-2: "Benign"; Align-GVGD: "Not Available"). This variant has not been reported in the literature in individuals affected with SAMD9L-related conditions. This variant is not present in population databases (gnomAD no frequency). This sequence change replaces proline, which is neutral and non-polar, with arginine, which is basic and polar, at codon 158 of the SAMD9L protein (p.Pro158Arg).